The following is an entry in ClinVar:

ClinVar aggregate classification (germline): Uncertain significance (1 of 4 stars; one submission).

Conditions:
Hereditary spastic paraplegia 63. Also called: Spastic paraplegia 63, autosomal recessive. Identifiers: Orphanet 401805, MedGen C3810295, MONDO:0014305, OMIM 615686.
Pontocerebellar hypoplasia type 9. Identifiers: Orphanet 369920, MedGen C4014354, MONDO:0014351, OMIM 615809.

Allele frequency attached by ClinVar (database versions not stated): TOPMed below 0.00001.
gnomAD v4.1: 1 of 1,607,868 alleles (0.000062%); no homozygotes.

Submission:

Labcorp Genetics (formerly Invitae), Labcorp
Classification: Uncertain significance for Pontocerebellar hypoplasia type 9; Hereditary spastic paraplegia 63. Last evaluated: 2024-04-05. Review status: criteria provided, single submitter. Criteria: Invitae Variant Classification Sherloc (09022015). Collection method: clinical testing. Allele origin: germline.
Comment: This sequence change replaces valine, which is neutral and non-polar, with methionine, which is neutral and non-polar, at codon 329 of the AMPD2 protein (p.Val329Met). This variant is present in population databases (no rsID available, gnomAD 0.0009%). This variant has not been reported in the literature in individuals affected with AMPD2-related conditions. ClinVar contains an entry for this variant (Variation ID: 1992528). An algorithm developed to predict the effect of missense changes on protein structure and function (PolyPhen-2) suggests that this variant is likely to be disruptive. In summary, the available evidence is currently insufficient to determine the role of this variant in disease. Therefore, it has been classified as a Variant of Uncertain Significance.

NM_001368809.2(AMPD2):c.823G>A (p.Val275Met)

Gene: AMPD2 (adenosine monophosphate deaminase 2; plus strand). Cytogenetic location: 1p13.3.
Variant type: single nucleotide variant.
Coding change: c.823G>A on transcript NM_001368809.2 (MANE Select); coding-DNA position 823, G replaced by A.
Protein change: p.Val275Met; replaces valine 275 with methionine.
Molecular consequence: missense variant.
Genome position (GRCh38, 1-based): chr1:109,627,279, G>A. VCF-style: chr1-109627279-G-A. GRCh37 (hg19) VCF-style: chr1-110169901-G-A.
Other names: c.985G>A, p.Val329Met (NM_001257360.2); c.631G>A, p.Val211Met (NM_001257361.2); c.760G>A, p.Val254Met (NM_001308170.1); c.823G>A, p.Val275Met (NM_004037.9); c.742G>A, p.Val248Met (NM_139156.4); short protein forms V211M, V329M, V248M, V254M, V275M.
Identifiers: ClinVar variation 1992528 (VCV001992528.4), dbSNP rs1246110014, ClinGen allele CA341556356.